The following is an entry in ClinVar:

ClinVar aggregate classification (germline): Uncertain significance (1 of 4 stars; one submission).

Allele frequency attached by ClinVar (database versions not stated): gnomAD exomes below 0.00001; gnomAD 0.00001; TOPMed 0.00001.
gnomAD v4.1: 2 of 1,613,926 alleles (0.00012%); highest among the groups gnomAD compares: African/African-American, 0.0013%; no homozygotes.

Submission:

Labcorp Genetics (formerly Invitae), Labcorp
Classification: Uncertain significance. Last evaluated: 2025-10-15. Review status: criteria provided, single submitter. Criteria: Invitae Variant Classification Sherloc (09022015). Collection method: clinical testing. Allele origin: germline.
Comment: This sequence change replaces glutamine, which is neutral and polar, with arginine, which is basic and polar, at codon 1291 of the KAT6A protein (p.Gln1291Arg). This variant is not present in population databases (gnomAD no frequency). This variant has not been reported in the literature in individuals affected with KAT6A-related conditions. ClinVar contains an entry for this variant (Variation ID: 3004471). Invitae Evidence Modeling of protein sequence and biophysical properties (such as structural, functional, and spatial information, amino acid conservation, physicochemical variation, residue mobility, and thermodynamic stability) indicates that this missense variant is not expected to disrupt KAT6A protein function with a negative predictive value of 95%. In summary, the available evidence is currently insufficient to determine the role of this variant in disease. Therefore, it has been classified as a Variant of Uncertain Significance.

NM_006766.5(KAT6A):c.3872A>G (p.Gln1291Arg)

Gene: KAT6A (lysine acetyltransferase 6A; minus strand). Cytogenetic location: 8p11.21.
Variant type: single nucleotide variant.
Coding change: c.3872A>G on transcript NM_006766.5 (MANE Select); coding-DNA position 3872, A replaced by G.
Protein change: p.Gln1291Arg; replaces glutamine 1291 with arginine.
Molecular consequence: missense variant.
Genome position (GRCh38, 1-based): chr8:41,934,348, T>C on the plus strand (A>G on the coding strand, the complement: KAT6A is on the minus strand). VCF-style: chr8-41934348-T-C. GRCh37 (hg19) VCF-style: chr8-41791866-T-C.
Other names: short protein forms Q1291R.
Identifiers: ClinVar variation 3004471 (VCV003004471.3), dbSNP rs1263718696, ClinGen allele CA371068063.